The following is an entry in ClinVar:

NM_004415.4(DSP):c.8233A>G (p.Ile2745Val)

Gene: DSP (desmoplakin; plus strand). Cytogenetic location: 6p24.3.
Variant type: single nucleotide variant.
Coding change: c.8233A>G on transcript NM_004415.4 (MANE Select); coding-DNA position 8233, A replaced by G.
Protein change: p.Ile2745Val; replaces isoleucine 2745 with valine.
Molecular consequence: missense variant.
Genome position (GRCh38, 1-based): chr6:7,585,495, A>G. VCF-style: chr6-7585495-A-G. GRCh37 (hg19) VCF-style: chr6-7585728-A-G.
Other names: c.6436A>G, p.Ile2146Val (NM_001008844.3); c.6904A>G, p.Ile2302Val (NM_001319034.2); short protein forms I2146V, I2302V, I2745V.
Identifiers: ClinVar variation 928160 (VCV000928160.25), dbSNP rs747284663, ClinGen allele CA051894.

ClinVar aggregate classification (germline): Conflicting classifications of pathogenicity. Review status: criteria provided, conflicting classifications (1 of 4 stars). 6 submissions from 6 submitters: Uncertain significance (4); Likely benign (2). Last evaluated 2026-01-26.

Conditions:
Cardiovascular phenotype. Identifiers: MedGen CN230736.
Arrhythmogenic cardiomyopathy with wooly hair and keratoderma. Also called: Carvajal syndrome; PALMOPLANTAR KERATODERMA WITH LEFT VENTRICULAR CARDIOMYOPATHY AND WOOLLY HAIR; Dilated cardiomyopathy with woolly hair and keratoderma; Arrhythmogenic cardiomyopathy with woolly hair and keratoderma. Identifiers: Orphanet 65282, MedGen C1854063, MONDO:0011581, OMIM 605676.
Arrhythmogenic right ventricular dysplasia 8 (ARVD8). Also called: Arrhythmogenic Right Ventricular Dysplasia/Cardiomyopathy 8; ARRHYTHMOGENIC RIGHT VENTRICULAR DYSPLASIA, FAMILIAL, 8; ARRHYTHMOGENIC RIGHT VENTRICULAR CARDIOMYOPATHY 8. Identifiers: MedGen C1843896, MONDO:0011831, OMIM 607450.
Cardiomyopathy (CMYO). Also called: Cardiomyopathies. Identifiers: Orphanet 167848, MedGen C0878544, MONDO:0004994, HP:0001638. Inheritance: Various modes of inheritance.

Allele frequency attached by ClinVar (database versions not stated): TOPMed 0.00001; gnomAD 0.00002 and 0.00003; ExAC 0.00003; gnomAD exomes 0.00003.
gnomAD v4.1: 40 of 1,614,062 alleles (0.0025%); highest among the groups gnomAD compares: Middle Eastern, 0.049%; 1 homozygote.

Submissions (6):

Labcorp Genetics (formerly Invitae), Labcorp
Classification: Likely benign for Arrhythmogenic cardiomyopathy with wooly hair and keratoderma; Arrhythmogenic right ventricular dysplasia 8. Last evaluated: 2026-01-26. Review status: criteria provided, single submitter. Criteria: Invitae Variant Classification Sherloc (09022015). Collection method: clinical testing. Allele origin: germline.

Ambry Genetics
Classification: Uncertain significance for Cardiovascular phenotype. Last evaluated: 2025-08-03. Review status: criteria provided, single submitter. Criteria: Ambry Variant Classification Scheme 2023. Collection method: clinical testing. Allele origin: germline.

All of Us Research Program, National Institutes of Health
Classification: Uncertain significance for Arrhythmogenic cardiomyopathy with wooly hair and keratoderma. Last evaluated: 2024-08-13. Review status: criteria provided, single submitter. Criteria: ACMG Guidelines, 2015. Collection method: clinical testing. Allele origin: germline. Inheritance: Autosomal dominant inheritance. Observed: 2 variant alleles, 2 heterozygotes.
Comment: This missense variant replaces isoleucine with valine at codon 2745 of the DSP protein. Computational prediction suggests that this variant may not impact protein structure and function (internally defined REVEL score threshold <= 0.5, PMID: 27666373). To our knowledge, functional studies have not been reported for this variant. This variant has not been reported in individuals affected with cardiovascular disorders in the literature. This variant has been identified in 8/282788 chromosomes in the general population by the Genome Aggregation Database (gnomAD). The available evidence is insufficient to determine the role of this variant in disease conclusively. Therefore, this variant is classified as a Variant of Uncertain Significance.

This study involves interpretation of variants in research participants for the purpose of population health screening. Participant phenotype was not available at the time of variant classification. Additional details can be found in publication PMID: 35346344, PMCID: PMC8962531

Color Diagnostics, LLC DBA Color Health
Classification: Uncertain significance for Cardiomyopathy. Last evaluated: 2024-03-07. Review status: criteria provided, single submitter. Criteria: ACMG Guidelines, 2015. Collection method: clinical testing. Allele origin: germline.
Comment: This missense variant replaces isoleucine with valine at codon 2745 of the DSP protein. Computational prediction suggests that this variant may not impact protein structure and function (internally defined REVEL score threshold <= 0.5, PMID: 27666373). To our knowledge, functional studies have not been reported for this variant. This variant has not been reported in individuals affected with cardiovascular disorders in the literature. This variant has been identified in 8/282788 chromosomes in the general population by the Genome Aggregation Database (gnomAD). The available evidence is insufficient to determine the role of this variant in disease conclusively. Therefore, this variant is classified as a Variant of Uncertain Significance.

Blueprint Genetics
Classification: Likely benign. Last evaluated: 2022-10-05. Review status: criteria provided, single submitter. Criteria: ACMG Guidelines, 2015. Collection method: clinical testing. Allele origin: germline.

Mayo Clinic Laboratories, Mayo Clinic
Classification: Uncertain significance. Last evaluated: 2020-01-09. Review status: criteria provided, single submitter. Criteria: ACMG Guidelines, 2015. Collection method: clinical testing. Allele origin: germline. Observed: 1 variant allele.